The following is an entry in ClinVar:

NM_001194.4(HCN2):c.2061G>T (p.Glu687Asp)

Gene: HCN2 (hyperpolarization activated cyclic nucleotide gated potassium and sodium channel 2; plus strand). Cytogenetic location: 19p13.3.
Variant type: single nucleotide variant.
Coding change: c.2061G>T on transcript NM_001194.4 (MANE Select); coding-DNA position 2061, G replaced by T.
Protein change: p.Glu687Asp; replaces glutamic acid 687 with aspartic acid.
Molecular consequence: missense variant.
Genome position (GRCh38, 1-based): chr19:615,865, G>T. VCF-style: chr19-615865-G-T. GRCh37 (hg19) VCF-style: chr19-615865-G-T.
Other names: short protein forms E687D.
Identifiers: ClinVar variation 5009810 (VCV005009810.1).
Genomic context (GRCh38, chr19:615,865, plus strand): 5'-TTCCATCCTCCTGCACAAGGTGCAGCATGACCTCAACTCGGGCGTATTCAACAACCAGGA[G>T]AACGCCATCATCCAGGAGATCGTCAAGTACGACCGCGAGATGGTGCAGCAGGCCGAGCTG-3'
Protein context (NP_001185.3, residues 677-697): DLNSGVFNNQ[Glu687Asp]NAIIQEIVKY

ClinVar aggregate classification (germline): Uncertain significance (1 of 4 stars; one submission).

gnomAD v4.1: 1 of 1,613,132 alleles (0.000062%); highest among the groups gnomAD compares: Non-Finnish European, 0.000085%; no homozygotes.

Submission:

GeneDx
Classification: Uncertain significance. Last evaluated: 2026-02-25. Review status: criteria provided, single submitter. Criteria: GeneDx Variant Classification Process June 2021. Collection method: clinical testing. Allele origin: germline.
Comment: Not observed at significant frequency in large population cohorts (gnomAD); In silico analysis suggests that this missense variant does not alter protein structure/function; Has not been previously published as pathogenic or benign to our knowledge